The following is an entry in ClinVar:

ClinVar aggregate classification (germline): Pathogenic (1 of 4 stars; one submission).

Conditions:
Mowat-Wilson syndrome (MOWS). Also called: Classic Mowat-Wilson Syndrome. Identifiers: Orphanet 2152, MedGen C1856113, MONDO:0009341, OMIM 235730.

Submission:

Labcorp Genetics (formerly Invitae), Labcorp
Classification: Pathogenic for Mowat-Wilson syndrome. Last evaluated: 2018-02-10. Review status: criteria provided, single submitter. Criteria: Invitae Variant Classification Sherloc (09022015). Collection method: clinical testing. Allele origin: germline.
Comment: This sequence change creates a premature translational stop signal (p.Ser524Lysfs*4) in the ZEB2 gene. It is expected to result in an absent or disrupted protein product. This variant is not present in population databases (ExAC no frequency). This variant has not been reported in the literature in individuals with ZEB2-related disease. Loss-of-function variants in ZEB2 are known to be pathogenic (PMID: 16053902). For these reasons, this variant has been classified as Pathogenic.

NM_014795.4(ZEB2):c.1570dup (p.Ser524fs)

Gene: ZEB2 (zinc finger E-box binding homeobox 2; minus strand). Cytogenetic location: 2q22.3.
Variant type: Duplication.
Coding change: c.1570dup on transcript NM_014795.4 (MANE Select); coding-DNA position 1570, one base duplicated (A; older notation c.1570dupA).
Protein change: p.Ser524fs; shifts the reading frame from serine 524.
Molecular consequence: frameshift variant.
Genome position (GRCh38, 1-based): chr2:144,399,617, T duplicated on the plus strand (A on the coding strand, the reverse complement: ZEB2 is on the minus strand); the first of 4 consecutive T bases (chr2:144,399,617-144,399,620); duplicating any one gives the same sequence. VCF-style (leftmost placement, unchanged base first): chr2-144399616-C-CT. GRCh37 (hg19) VCF-style: chr2-145157183-C-CT.
Other names: c.1498dup, p.Ser500fs (NM_001171653.2); c.1570dupA (NM_014795.3); short protein forms S524fs, S500fs.
Identifiers: ClinVar variation 571056 (VCV000571056.1), dbSNP rs1560606974, ClinGen allele CA891843435.